The following is an entry in ClinVar:

ClinVar aggregate classification (germline): Uncertain significance (1 of 4 stars; one submission).

Conditions:
Evans syndrome, immunodeficiency, and premature immunosenescence associated with tripeptidyl-peptidase II deficiency. Identifiers: MedGen CN231723. Disease mechanism: loss of function.

Allele frequency attached by ClinVar (database versions not stated): gnomAD exomes below 0.00001.
gnomAD v4.1: 1 of 1,614,014 alleles (0.000062%); highest among the groups gnomAD compares: Non-Finnish European, 0.000085%; no homozygotes.

Submission:

Labcorp Genetics (formerly Invitae), Labcorp
Classification: Uncertain significance for Evans syndrome, immunodeficiency, and premature immunosenescence associated with tripeptidyl-peptidase II deficiency. Last evaluated: 2023-06-14. Review status: criteria provided, single submitter. Criteria: Invitae Variant Classification Sherloc (09022015). Collection method: clinical testing. Allele origin: germline.
Comment: In summary, the available evidence is currently insufficient to determine the role of this variant in disease. Therefore, it has been classified as a Variant of Uncertain Significance. An algorithm developed to predict the effect of missense changes on protein structure and function (PolyPhen-2) suggests that this variant is likely to be disruptive. This variant has not been reported in the literature in individuals affected with TPP2-related conditions. This variant is not present in population databases (gnomAD no frequency). This sequence change replaces isoleucine, which is neutral and non-polar, with methionine, which is neutral and non-polar, at codon 89 of the TPP2 protein (p.Ile89Met).

NM_001330588.2(TPP2):c.267T>G (p.Ile89Met)

Gene: TPP2 (tripeptidyl peptidase 2; plus strand). Cytogenetic location: 13q33.1.
Variant type: single nucleotide variant.
Coding change: c.267T>G on transcript NM_001330588.2 (MANE Select); coding-DNA position 267, T replaced by G.
Protein change: p.Ile89Met; replaces isoleucine 89 with methionine.
Molecular consequence: missense variant. On other transcripts: non-coding transcript variant (1).
Genome position (GRCh38, 1-based): chr13:102,604,894, T>G. VCF-style: chr13-102604894-T-G. GRCh37 (hg19) VCF-style: chr13-103257244-T-G.
Other names: c.267T>G, p.Ile89Met (NM_001367947.1, NM_003291.4); short protein forms I89M.
Identifiers: ClinVar variation 2713685 (VCV002713685.3), dbSNP rs548824934, ClinGen allele CA388677295.